The following is an entry in ClinVar:

NM_000059.4(BRCA2):c.5278dup (p.Ser1760fs)

Gene: BRCA2 (BRCA2 DNA repair associated; plus strand). Cytogenetic location: 13q13.1.
Variant type: Duplication.
Coding change: c.5278dup on transcript NM_000059.4 (MANE Select); coding-DNA position 5278, one base duplicated (T; older notation c.5278dupT).
Protein change: p.Ser1760fs; shifts the reading frame from serine 1760.
Molecular consequence: frameshift variant.
Genome position (GRCh38, 1-based): chr13:32,339,633, T duplicated; the last of 2 consecutive T bases (chr13:32,339,632-32,339,633); duplicating either gives the same sequence. VCF-style (leftmost placement, unchanged base first): chr13-32339631-A-AT. GRCh37 (hg19) VCF-style: chr13-32913768-A-AT.
Other names: c.5278dupT (NM_000059.3); short protein forms S1760fs.
Identifiers: ClinVar variation 647271 (VCV000647271.1), dbSNP rs1593905018, ClinGen allele CA915948488.
Genomic context (GRCh38, chr13:32,339,631, plus strand): 5'-ATTTAAGTAACAGTAGCATGTCTAACAGCTATTCCTACCATTCTGATGAGGTATATAATG[A>AT]TTCAGGATATCTCTCAAAAAATAAACTTGATTCTGGTATTGAGCCAGTATTGAAGAATGT-3'

ClinVar aggregate classification (germline): Pathogenic (1 of 4 stars; one submission).

Conditions:
Hereditary breast ovarian cancer syndrome. Also called: Hereditary breast and ovarian cancer; Hereditary breast and ovarian cancer syndrome; BRCA1- and BRCA2-Associated Hereditary Breast and Ovarian Cancer; Hereditary breast and ovarian cancer syndrome (HBOC); Breast and ovarian cancer; Hereditary breast and/or ovarian cancer syndrome. Identifiers: Orphanet 145, MedGen C0677776, MeSH D061325, MONDO:0003582. Disease mechanism: loss of function.

Submission:

Labcorp Genetics (formerly Invitae), Labcorp
Classification: Pathogenic for Hereditary breast and ovarian cancer syndrome. Last evaluated: 2018-10-25. Review status: criteria provided, single submitter. Criteria: Invitae Variant Classification Sherloc (09022015). Collection method: clinical testing. Allele origin: germline.
Comment: This sequence change creates a premature translational stop signal (p.Ser1760Phefs*8) in the BRCA2 gene. It is expected to result in an absent or disrupted protein product. This variant is not present in population databases (ExAC no frequency). This variant has not been reported in the literature in individuals with BRCA2-related disease. Loss-of-function variants in BRCA2 are known to be pathogenic (PMID: 20104584). For these reasons, this variant has been classified as Pathogenic.